The following is an entry in ClinVar:

NM_001009944.3(PKD1):c.12061C>T (p.Arg4021Ter)

Gene: PKD1 (polycystin 1, transient receptor potential channel interacting; minus strand). Cytogenetic location: 16p13.3.
Variant type: single nucleotide variant.
Coding change: c.12061C>T on transcript NM_001009944.3 (MANE Select); coding-DNA position 12061, C replaced by T.
Protein change: p.Arg4021Ter; replaces arginine 4021 with a stop codon.
Molecular consequence: nonsense.
Genome position (GRCh38, 1-based): chr16:2,090,751, G>A on the plus strand (C>T on the coding strand, the complement: PKD1 is on the minus strand). VCF-style: chr16-2090751-G-A. GRCh37 (hg19) VCF-style: chr16-2140752-G-A.
Other names: c.12058C>T (NM_000296.3); c.12058C>T, p.Arg4020Ter (NM_000296.4); short protein forms R4021*, R4020*.
Identifiers: ClinVar variation 636627 (VCV000636627.19), dbSNP rs764431330, ClinGen allele CA394327853.

ClinVar aggregate classification (germline): Pathogenic. Review status: criteria provided, multiple submitters, no conflicts (2 of 4 stars). 12 submissions from 12 submitters: Pathogenic (11). 1 of the submissions does not count toward it. Last evaluated 2026-07-07.

Conditions:
Inborn genetic diseases. Identifiers: MedGen C0950123, MeSH D030342.
Polycystic kidney disease, adult type (PKD1). Also called: POLYCYSTIC KIDNEY DISEASE, ADULT, TYPE I; Polycystic Kidney, Autosomal Dominant; Polycystic Kidney Disease 1, Autosomal Dominant; Polycystic kidney disease 1; Polycystic kidney disease 1, severe; POLYCYSTIC KIDNEY DISEASE 1 WITH OR WITHOUT POLYCYSTIC LIVER DISEASE. Identifiers: MedGen C3149841, MONDO:0008263, OMIM 173900.
Polycystic kidney disease. Also called: Polycystic kidney dysplasia; Kidney, Polycystic. Identifiers: MedGen C0022680, MeSH D007690, MONDO:0020642, HP:0000113.
PKD1-related disorder. Also called: PKD1-related condition.

gnomAD v4.1: 1 of 1,612,612 alleles (0.000062%); highest among the groups gnomAD compares: Non-Finnish European, 0.000085%; no homozygotes.

Submissions (12):

Medgenome Labs Ltd
Classification: Pathogenic for Polycystic kidney disease, adult type. Last evaluated: 2026-07-07. Review status: criteria provided, single submitter. Criteria: ACMG Guidelines, 2015. Collection method: clinical testing. Allele origin: germline. Affected: yes.

Women's Health and Genetics/Laboratory Corporation of America, LabCorp
Classification: Pathogenic for Polycystic kidney disease, adult type. Last evaluated: 2026-06-30. Review status: criteria provided, single submitter. Criteria: LabCorp Variant Classification Summary - May 2015. Collection method: clinical testing. Allele origin: germline.
Comment: Variant summary: PKD1 c.12061C>T (p.Arg4021X) results in a premature termination codon, predicted to cause a truncation of the encoded protein or absence of the protein due to nonsense mediated decay, which are commonly known mechanisms for disease. The variant was absent in 246774 control chromosomes (gnomAD). c.12061C>T has been observed in at least one individual affected with Autosomal Dominant Polycystic Kidney Disease (Zhang_2019). To our knowledge, no experimental evidence demonstrating an impact on protein function has been reported. The following publication has been ascertained in the context of this evaluation (PMID: 29633482). ClinVar contains an entry for this variant (Variation ID: 636627). Based on the evidence outlined above, the variant was classified as pathogenic.

Ambry Genetics
Classification: Pathogenic for Inborn genetic diseases. Last evaluated: 2026-02-27. Review status: criteria provided, single submitter. Criteria: Ambry Variant Classification Scheme 2023. Collection method: clinical testing. Allele origin: germline.
Comment: The c.12058C>T (p.R4020*) alteration, located in exon 44 (coding exon 44) of the PKD1 gene, consists of a C to T substitution at nucleotide position 12058. This changes the amino acid from an arginine (R) to a stop codon at amino acid position 4020. This variant is expected to result in loss of function by premature protein truncation or nonsense-mediated mRNA decay. This variant was not reported in population-based cohorts in the Genome Aggregation Database (gnomAD). This variant, also referred to as c.12061C>T (p.R4021*), was identified in one or more individuals with features consistent with PKD1-related polycystic kidney disease (Rossetti, 1996; Garc&iacute;a Rabaneda, 2024) and segregated with disease in at least one family (Rossetti, 1996). Based on the available evidence, this alteration is classified as pathogenic.

Medical and Scientific Branch, Hong Kong Genome Institute
Classification: Pathogenic for Polycystic kidney disease, adult type. Last evaluated: 2025-12-11. Review status: criteria provided, single submitter. Criteria: ACMG Guidelines, 2015. Collection method: clinical testing. Allele origin: germline. Affected: yes.

Blueprint Genetics
Classification: Pathogenic for PKD1-related disorders. Last evaluated: 2024-02-16. Review status: criteria provided, single submitter. Criteria: ACMG Guidelines, 2015. Collection method: clinical testing. Allele origin: germline. Affected: yes. Observed: 5 variant alleles.

3billion
Classification: Pathogenic for Polycystic kidney disease, adult type. Last evaluated: 2022-09-01. Review status: criteria provided, single submitter. Criteria: ACMG Guidelines, 2015. Collection method: clinical testing. Allele origin: germline. Affected: yes. Observed: 1 heterozygote.
Comment: The variant is not observed in the gnomAD v2.1.1 dataset. Stop-gained (nonsense) is predicted to result in a loss or disruption of normal protein function through nonsense-mediated decay (NMD) or protein truncation. Multiple pathogenic variants are reported downstream of the variant. The variant has been reported at least twice as pathogenic with clinical assertions and evidence for the classification (ClinVar ID: VCV000636627 / PMID: 8911610 / 3billion dataset). Therefore, this variant is classified as Pathogenic according to the recommendation of ACMG/AMP guideline.

GeneDx
Classification: Pathogenic. Last evaluated: 2022-08-16. Review status: criteria provided, single submitter. Criteria: GeneDx Variant Classification Process June 2021. Collection method: clinical testing. Allele origin: germline. Affected: yes.
Comment: Nonsense variant predicted to result in protein truncation or nonsense mediated decay in a gene for which loss-of-function is a known mechanism of disease; Not observed in large population cohorts (gnomAD); This variant is associated with the following publications: (PMID: 9044320, 24694054, 25525159, 8911610, 29633482, 22508176, 11115377, 22185115, 19686598, 32939031)

(GEEPAD) Grupo de Estudio de la Enfermedad Poliquística Autosómica Dominante, Hospitales Universitarios Virgen de las Nieves y San Cecilio (Granada)
Classification: Pathogenic for Polycystic kidney disease, adult type. Last evaluated: 2022-08-03. Review status: criteria provided, single submitter. Criteria: ACMG Guidelines, 2015. Collection method: clinical testing. Allele origin: germline. Affected: yes. Observed: 1 variant allele.

Molecular Biology Laboratory, Fundació Puigvert
Classification: Pathogenic for Polycystic kidney disease, adult type. Last evaluated: 2020-02-01. Review status: criteria provided, single submitter. Criteria: ACMG Guidelines, 2015. Collection method: research. Allele origin: germline. Affected: yes. Study: KidneyPanel_2020.

Victorian Clinical Genetics Services, Murdoch Childrens Research Institute
Classification: Pathogenic for Polycystic kidney disease, adult type. Last evaluated: 2018-07-12. Review status: criteria provided, single submitter. Criteria: ACMG Guidelines, 2015. Collection method: clinical testing. Allele origin: unknown. Affected: yes.
Comment: A heterozygous nonsense variant, NM_001009944.2(PKD1):c.12061C>T, has been identified in exon 44 of 46 of the PKD1 gene. The variant is predicted to result in a premature stop codon at position 4021 of the protein (NP_001009944.2(PKD1):p.(Arg4021*)), likely resulting in loss of protein function through truncation, which includes the PKD channel domain (Rossetti, S. et al., 1996). However, loss of function via NMD has not been excluded. The variant is absent in population databases (gnomAD, dbSNP, 1000G), however, it has been reported in at least three patients with kidney cysts and been shown to segregate with disease (Rossetti, S. et al., 1996). In addition, other heterozygous truncating variants located downstream have been reported as pathogenic in individuals with this condition (ClinVar). Based on the information available at the time of curation, this variant has been classified as PATHOGENIC.

Juno Genomics, Hangzhou Juno Genomics, Inc
Classification: Pathogenic for Polycystic kidney disease, adult type. Review status: criteria provided, single submitter. Criteria: ACMG Guidelines, 2015. Collection method: clinical testing. Allele origin: germline. Affected: yes.
Comment: Null variant in a gene where loss of function (LOF) is a known mechanism of disease.;Absent from controls (or at extremely low frequency if recessive) in Genome Aggregation Database, Exome Sequencing Project, 1000 Genomes Project, or Exome Aggregation Consortium.;The prevalence of the variant in affected individuals is significantly increased compared to the prevalence in controls.

Department of Pathology and Laboratory Medicine, Sinai Health System
Classification: Pathogenic for Polycystic Kidney disease. Review status: no assertion criteria provided. Collection method: clinical testing. Allele origin: unknown. Affected: yes. Study: The Canadian Open Genetics Repository (COGR). Not counted in ClinVar's aggregate classification.
Comment: The PKD1 p.Arg4021* variant was identified in 7 of 2636 proband chromosomes (frequency: 0.003) from individuals or families with ADPKD and was not identified in 200 control chromosomes from healthy individuals (Audrezet 2012, Rossetti 2001, Rossetti 2007, Yu 2011, Hwang 2016). The variant was also identified in LOVD 3.0 (1x) and ADPKD Mutation Database (as definitely pathogenic). The variant was not identified in dbSNP, ClinVar, PKD1-LOVD, or the following control databases: the Exome Aggregation Consortium (August 8th 2016) or the Genome Aggregation Database (Feb 27, 2017). The p.Arg4021* variant leads to a premature stop codon at position 4021, which is predicted to lead to a truncated or absent protein and loss of function. Loss of function variants of the PKD1 gene are an established mechanism of disease in ADPKD and is the type of variant expected to cause the disorder. In summary, based on the above information, this variant meets our laboratoryâ€šÃ„Ã´s criteria to be classified as pathogenic.

Literature cited by the submitters: PubMed 29633482 (cited by Women's Health and Genetics/Laboratory Corporation of America, LabCorp); PubMed 8911610 (cited by Ambry Genetics and 3billion); PubMed 38541974 (cited by Ambry Genetics); PubMed 33532864 (cited by Molecular Biology Laboratory, Fundació Puigvert).